The following is an entry in ClinVar:

NM_004655.4(AXIN2):c.1240C>T (p.Arg414Trp)

Gene: AXIN2 (axin 2; minus strand). Cytogenetic location: 17q24.1.
Variant type: single nucleotide variant.
Coding change: c.1240C>T on transcript NM_004655.4 (MANE Select); coding-DNA position 1240, C replaced by T.
Protein change: p.Arg414Trp; replaces arginine 414 with tryptophan.
Molecular consequence: missense variant.
Genome position (GRCh38, 1-based): chr17:65,537,796, G>A on the plus strand (C>T on the coding strand, the complement: AXIN2 is on the minus strand). VCF-style: chr17-65537796-G-A. GRCh37 (hg19) VCF-style: chr17-63533914-G-A.
Other names: c.1240C>T (LRG_296t1); c.1240C>T, p.Arg414Trp (NM_001363813.1); short protein forms R414W.
Identifiers: ClinVar variation 533146 (VCV000533146.13), dbSNP rs751229839, ClinGen allele CA8718706.

ClinVar aggregate classification (germline): Uncertain significance. Review status: criteria provided, multiple submitters, no conflicts (2 of 4 stars). 3 submissions from 3 submitters: Uncertain significance (3). Last evaluated 2025-11-09.

Conditions:
Colorectal cancer. Also called: Colorectal cancer, somatic; Malignant Colorectal Neoplasm. Identifiers: MedGen C0346629, MONDO:0005575, OMIM 114500.
Hereditary cancer-predisposing syndrome. Also called: Hereditary neoplastic syndrome; Neoplastic Syndromes, Hereditary; Tumor predisposition; Hereditary Cancer Syndrome. Identifiers: Orphanet 140162, MedGen C0027672, MeSH D009386, MONDO:0015356.
Oligodontia-cancer predisposition syndrome. Also called: TOOTH AGENESIS-COLORECTAL CANCER SYNDROME. Identifiers: Orphanet 300576, MedGen C1837750, MONDO:0012075, OMIM 608615. Disease mechanism: loss of function.

Allele frequency attached by ClinVar (database versions not stated): gnomAD exomes below 0.00001; ExAC 0.00003.
gnomAD v4.1: 6 of 1,586,418 alleles (0.00038%); highest among the groups gnomAD compares: Non-Finnish European, 0.00051%; no homozygotes.

Submissions (3):

Labcorp Genetics (formerly Invitae), Labcorp
Classification: Uncertain significance for Oligodontia-cancer predisposition syndrome. Last evaluated: 2025-11-09. Review status: criteria provided, single submitter. Criteria: Invitae Variant Classification Sherloc (09022015). Collection method: clinical testing. Allele origin: germline.
Comment: This sequence change replaces arginine, which is basic and polar, with tryptophan, which is neutral and slightly polar, at codon 414 of the AXIN2 protein (p.Arg414Trp). The frequency data for this variant in the population databases is considered unreliable, as metrics indicate poor data quality at this position in the gnomAD database. This variant has not been reported in the literature in individuals affected with AXIN2-related conditions. ClinVar contains an entry for this variant (Variation ID: 533146). An algorithm developed to predict the effect of missense changes on protein structure and function (PolyPhen-2) suggests that this variant is likely to be disruptive. In summary, the available evidence is currently insufficient to determine the role of this variant in disease. Therefore, it has been classified as a Variant of Uncertain Significance.

Ambry Genetics
Classification: Uncertain significance for Hereditary cancer-predisposing syndrome. Last evaluated: 2025-06-28. Review status: criteria provided, single submitter. Criteria: Ambry Variant Classification Scheme 2023. Collection method: clinical testing. Allele origin: germline.
Comment: The p.R414W variant (also known as c.1240C>T), located in coding exon 5 of the AXIN2 gene, results from a C to T substitution at nucleotide position 1240. The arginine at codon 414 is replaced by tryptophan, an amino acid with dissimilar properties. This amino acid position is conserved. In addition, this alteration is predicted to be tolerated by in silico analysis. Since supporting evidence is limited at this time, the clinical significance of this alteration remains unclear.

Baylor Genetics
Classification: Uncertain significance for Colorectal cancer. Last evaluated: 2024-03-28. Review status: criteria provided, single submitter. Criteria: ACMG Guidelines, 2015. Collection method: clinical testing. Allele origin: unknown.